The following is an entry in ClinVar:

ClinVar aggregate classification (germline): Uncertain significance. Review status: criteria provided, multiple submitters, no conflicts (2 of 4 stars). 9 submissions from 9 submitters: Uncertain significance (8). 1 of the submissions does not count toward it. Last evaluated 2026-07-01.

Conditions:
Glycogen storage disease, type II (IOPD). Also called: GLYCOGENOSIS, GENERALIZED, CARDIAC FORM; GSD II; POMPE DISEASE, INFANTILE-ONSET; GLYCOGEN STORAGE DISEASE II, INFANTILE-ONSET; ACID ALPHA-GLUCOSIDASE DEFICIENCY, INFANTILE-ONSET; GAA DEFICIENCY, INFANTILE-ONSET. Identifiers: Orphanet 365, MedGen C0017921, MONDO:0009290, OMIM 232300.

Allele frequency attached by ClinVar (database versions not stated): gnomAD 0.00010; ESP Exome Variant Server 0.00015; 1000 Genomes Project 30x 0.00016; TOPMed 0.00017; 1000 Genomes Project 0.00020.
gnomAD v4.1: 33 of 1,599,384 alleles (0.0021%); highest among the groups gnomAD compares: African/African-American, 0.046%; no homozygotes.

Submissions (9):

Genomenon, Inc
Classification: Uncertain significance for Glycogen storage disease, type II. Last evaluated: 2026-07-01. Review status: criteria provided, single submitter. Criteria: Genomenon Sequence Variant Interpretation Standards - Updated. Collection method: curation. Allele origin: germline. Affected: no.
Comment: GAA p.Ala284Gly (c.851C>G) is a missense variant that changes the amino acid at codon 284 from Alanine to Glycine. This variant has been reported in the published literature (PMID:36293497). It is absent or not present at a significant frequency in gnomAD. In silico models predict that this variant is not damaging. In conclusion, we classify GAA p.Ala284Gly (c.851C>G) as a variant of uncertain significance.

Women's Health and Genetics/Laboratory Corporation of America, LabCorp
Classification: Uncertain significance. Last evaluated: 2025-09-14. Review status: criteria provided, single submitter. Criteria: LabCorp Variant Classification Summary - May 2015. Collection method: clinical testing. Allele origin: germline.

Revvity Omics, Revvity
Classification: Uncertain significance. Last evaluated: 2024-10-07. Review status: criteria provided, single submitter. Criteria: ACMG Guidelines, 2015. Collection method: clinical testing. Allele origin: germline.

GeneDx
Classification: Uncertain significance. Last evaluated: 2024-07-31. Review status: criteria provided, single submitter. Criteria: GeneDx Variant Classification Process June 2021. Collection method: clinical testing. Allele origin: germline. Affected: yes.
Comment: Has not been previously published as pathogenic or benign to our knowledge; In silico analysis supports that this missense variant does not alter protein structure/function; This variant is associated with the following publications: (PMID: 22253258, 19343043)

Labcorp Genetics (formerly Invitae), Labcorp
Classification: Uncertain significance for Glycogen storage disease, type II. Last evaluated: 2022-10-25. Review status: criteria provided, single submitter. Criteria: Invitae Variant Classification Sherloc (09022015). Collection method: clinical testing. Allele origin: germline.
Comment: This sequence change replaces alanine, which is neutral and non-polar, with glycine, which is neutral and non-polar, at codon 284 of the GAA protein (p.Ala284Gly). This variant is present in population databases (rs147569830, gnomAD 0.03%). This missense change has been observed in individual(s) with a positive newborn screening result for GAA-related disease (Invitae). ClinVar contains an entry for this variant (Variation ID: 456440). Advanced modeling of protein sequence and biophysical properties (such as structural, functional, and spatial information, amino acid conservation, physicochemical variation, residue mobility, and thermodynamic stability) performed at Invitae indicates that this missense variant is not expected to disrupt GAA protein function. In summary, the available evidence is currently insufficient to determine the role of this variant in disease. Therefore, it has been classified as a Variant of Uncertain Significance.

Fulgent Genetics
Classification: Uncertain significance for Glycogen storage disease, type II. Last evaluated: 2021-10-14. Review status: criteria provided, single submitter. Criteria: ACMG Guidelines, 2015. Collection method: clinical testing. Allele origin: unknown.

Genome-Nilou Lab
Classification: Uncertain significance for Glycogen storage disease, type II. Last evaluated: 2021-09-05. Review status: criteria provided, single submitter. Criteria: ACMG Guidelines, 2015. Collection method: clinical testing. Allele origin: germline. Affected: no.

Eurofins Ntd Llc (ga)
Classification: Uncertain significance. Last evaluated: 2018-02-26. Review status: criteria provided, single submitter. Criteria: EGL ClinVar v180209 classification definitions. Collection method: clinical testing. Allele origin: germline. Observed: 1 variant allele, 1 heterozygote.

Natera, Inc.
Classification: Uncertain significance for Glycogen storage disease type II. Last evaluated: 2020-01-24. Review status: no assertion criteria provided. Collection method: clinical testing. Allele origin: germline. Not counted in ClinVar's aggregate classification.

Literature cited by the submitters: PubMed 36293497 (cited by Genomenon, Inc).

NM_000152.5(GAA):c.851C>G (p.Ala284Gly)

Gene: GAA (alpha glucosidase; plus strand). Cytogenetic location: 17q25.3.
Variant type: single nucleotide variant.
Coding change: c.851C>G on transcript NM_000152.5 (MANE Select); coding-DNA position 851, C replaced by G.
Protein change: p.Ala284Gly; replaces alanine 284 with glycine.
Molecular consequence: missense variant.
Genome position (GRCh38, 1-based): chr17:80,107,715, C>G. VCF-style: chr17-80107715-C-G. GRCh37 (hg19) VCF-style: chr17-78081514-C-G.
Other names: c.851C>G (LRG_673t1); c.851C>G, p.Ala284Gly (NM_001079803.3, NM_001079804.3); short protein forms A284G.
Identifiers: ClinVar variation 456440 (VCV000456440.21), dbSNP rs147569830, ClinGen allele CA8815028.